The following is an entry in ClinVar:

ClinVar aggregate classification (germline): Uncertain significance (1 of 4 stars; one submission).

Conditions:
Shprintzen-Goldberg syndrome (SGS). Also called: SHPRINTZEN-GOLDBERG CRANIOSYNOSTOSIS SYNDROME; CRANIOSYNOSTOSIS WITH ARACHNODACTYLY AND ABDOMINAL HERNIAS; Marfanoid disorder with craniosynostosis type 1; Marfanoid craniosynostosis syndrome; Shprintzen-Goldberg marfanoid syndrome. Identifiers: Orphanet 2462, MedGen C1321551, MONDO:0008426, OMIM 182212.

Allele frequency attached by ClinVar (database versions not stated): gnomAD exomes below 0.00001.
gnomAD v4.1: 1 of 1,611,782 alleles (0.000062%); highest among the groups gnomAD compares: Non-Finnish European, 0.000085%; no homozygotes.

Submission:

Labcorp Genetics (formerly Invitae), Labcorp
Classification: Uncertain significance for Shprintzen-Goldberg syndrome. Last evaluated: 2025-09-27. Review status: criteria provided, single submitter. Criteria: Invitae Variant Classification Sherloc (09022015). Collection method: clinical testing. Allele origin: germline.
Comment: This sequence change replaces alanine, which is neutral and non-polar, with threonine, which is neutral and polar, at codon 436 of the SKI protein (p.Ala436Thr). This variant is present in population databases (no rsID available, gnomAD 0.0009%). This variant has not been reported in the literature in individuals affected with SKI-related conditions. ClinVar contains an entry for this variant (Variation ID: 1368944). Invitae Evidence Modeling of protein sequence and biophysical properties (such as structural, functional, and spatial information, amino acid conservation, physicochemical variation, residue mobility, and thermodynamic stability) indicates that this missense variant is not expected to disrupt SKI protein function with a negative predictive value of 95%. In summary, the available evidence is currently insufficient to determine the role of this variant in disease. Therefore, it has been classified as a Variant of Uncertain Significance.

NM_003036.4(SKI):c.1306G>A (p.Ala436Thr)

Gene: SKI (SKI proto-oncogene; plus strand). Cytogenetic location: 1p36.32.
Variant type: single nucleotide variant.
Coding change: c.1306G>A on transcript NM_003036.4 (MANE Select); coding-DNA position 1306, G replaced by A.
Protein change: p.Ala436Thr; replaces alanine 436 with threonine.
Molecular consequence: missense variant.
Genome position (GRCh38, 1-based): chr1:2,303,934, G>A. VCF-style: chr1-2303934-G-A. GRCh37 (hg19) VCF-style: chr1-2235373-G-A.
Other names: short protein forms A436T.
Identifiers: ClinVar variation 1368944 (VCV001368944.6), dbSNP rs1247637685, ClinGen allele CA337955121.